The following is an entry in ClinVar:

NM_006015.6(ARID1A):c.5822T>G (p.Phe1941Cys)

Gene: ARID1A (AT-rich interaction domain 1A; plus strand). Cytogenetic location: 1p36.11.
Variant type: single nucleotide variant.
Coding change: c.5822T>G on transcript NM_006015.6 (MANE Select); coding-DNA position 5822, T replaced by G.
Protein change: p.Phe1941Cys; replaces phenylalanine 1941 with cysteine.
Molecular consequence: missense variant.
Genome position (GRCh38, 1-based): chr1:26,779,720, T>G. VCF-style: chr1-26779720-T-G. GRCh37 (hg19) VCF-style: chr1-27106211-T-G.
Other names: c.5171T>G, p.Phe1724Cys (NM_139135.4); short protein forms F1941C, F1724C.
Identifiers: ClinVar variation 2996966 (VCV002996966.5), dbSNP rs2124143125, ClinGen allele CA339188375.

ClinVar aggregate classification (germline): Uncertain significance. Review status: criteria provided, single submitter (1 of 4 stars). 2 submissions from 2 submitters: Uncertain significance (1). 1 of the submissions does not count toward it. Last evaluated 2023-02-04.

Conditions:
ARID1A-related disorder. Also called: ARID1A-related condition.

Submissions (2):

Labcorp Genetics (formerly Invitae), Labcorp
Classification: Uncertain significance. Last evaluated: 2023-02-04. Review status: criteria provided, single submitter. Criteria: Invitae Variant Classification Sherloc (09022015). Collection method: clinical testing. Allele origin: germline.
Comment: In summary, the available evidence is currently insufficient to determine the role of this variant in disease. Therefore, it has been classified as a Variant of Uncertain Significance. Advanced modeling of protein sequence and biophysical properties (such as structural, functional, and spatial information, amino acid conservation, physicochemical variation, residue mobility, and thermodynamic stability) performed at Invitae indicates that this missense variant is not expected to disrupt ARID1A protein function. This variant has not been reported in the literature in individuals affected with ARID1A-related conditions. This variant is not present in population databases (gnomAD no frequency). This sequence change replaces phenylalanine, which is neutral and non-polar, with cysteine, which is neutral and slightly polar, at codon 1941 of the ARID1A protein (p.Phe1941Cys).

PreventionGenetics, part of Exact Sciences
Classification: Uncertain significance for ARID1A-related condition. Last evaluated: 2023-12-29. Review status: no assertion criteria provided. Collection method: clinical testing. Allele origin: germline. Not counted in ClinVar's aggregate classification.
Comment: The ARID1A c.5822T>G variant is predicted to result in the amino acid substitution p.Phe1941Cys. To our knowledge, this variant has not been reported in the literature or in a large population database, indicating this variant is rare. At this time, the clinical significance of this variant is uncertain due to the absence of conclusive functional and genetic evidence.